The following is an entry in ClinVar:

NM_001378969.1(KCND3):c.866T>G (p.Leu289Arg)

Gene: KCND3 (potassium voltage-gated channel subfamily D member 3; minus strand). Cytogenetic location: 1p13.2.
Variant type: single nucleotide variant.
Coding change: c.866T>G on transcript NM_001378969.1 (MANE Select); coding-DNA position 866, T replaced by G.
Protein change: p.Leu289Arg; replaces leucine 289 with arginine.
Molecular consequence: missense variant.
Genome position (GRCh38, 1-based): chr1:111,981,861, A>C on the plus strand (T>G on the coding strand, the complement: KCND3 is on the minus strand). VCF-style: chr1-111981861-A-C. GRCh37 (hg19) VCF-style: chr1-112524483-A-C.
Other names: c.866T>G, p.Leu289Arg (NM_001378970.1, NM_004980.5, NM_172198.3); short protein forms L289R.
Identifiers: ClinVar variation 3532245 (VCV003532245.2).
Genomic context (GRCh38, chr1:111,981,861, plus strand): 5'-ATCCGCAGGCCCTGGGAGTGGCGGGAAAACTTGAAGATCCTGAAGACGCGGAAGACCCGG[A>C]GCGTGACGAAGGCGCCGGACACGTCCTCGTTGTTGGTCATGACCAGACCGATGTAGTAGG-3'
Protein context (NP_001365898.1, residues 279-299): NEDVSGAFVT[Leu289Arg]RVFRVFRIFK

ClinVar aggregate classification (germline): Uncertain significance. Review status: criteria provided, multiple submitters, no conflicts (2 of 4 stars). 2 submissions from 2 submitters: Uncertain significance (2). Last evaluated 2024-10-23.

Conditions:
Cardiovascular phenotype. Identifiers: MedGen CN230736.

Submissions (2):

GeneDx
Classification: Uncertain significance. Last evaluated: 2024-10-23. Review status: criteria provided, single submitter. Criteria: GeneDx Variant Classification Process June 2021. Collection method: clinical testing. Allele origin: germline. Affected: yes.
Comment: Not observed at significant frequency in large population cohorts (gnomAD); In silico analysis supports that this missense variant has a deleterious effect on protein structure/function; Has not been previously published as pathogenic or benign to our knowledge

Ambry Genetics
Classification: Uncertain significance for Cardiovascular phenotype. Last evaluated: 2024-10-15. Review status: criteria provided, single submitter. Criteria: Ambry Variant Classification Scheme 2023. Collection method: clinical testing. Allele origin: germline.
Comment: The c.866T>G (p.L289R) alteration is located in exon 2 (coding exon 1) of the KCND3 gene. This alteration results from a T to G substitution at nucleotide position 866, causing the leucine (L) at amino acid position 289 to be replaced by an arginine (R). This variant was not reported in population-based cohorts in the Genome Aggregation Database (gnomAD). This amino acid position is highly conserved in available vertebrate species. This missense alteration is located in a region that has a low rate of benign missense variation (Lek, 2016; Firth, 2009). This alteration is predicted to be deleterious by in silico analysis. Based on insufficient or conflicting evidence, the clinical significance of this alteration remains unclear.